The following is an entry in ClinVar:

NM_000161.3(GCH1):c.250G>T (p.Glu84Ter)

Gene: GCH1 (GTP cyclohydrolase 1; minus strand). Cytogenetic location: 14q22.2.
Variant type: single nucleotide variant.
Coding change: c.250G>T on transcript NM_000161.3 (MANE Select); coding-DNA position 250, G replaced by T.
Protein change: p.Glu84Ter; replaces glutamic acid 84 with a stop codon.
Molecular consequence: nonsense.
Genome position (GRCh38, 1-based): chr14:54,902,414, C>A on the plus strand (G>T on the coding strand, the complement: GCH1 is on the minus strand). VCF-style: chr14-54902414-C-A. GRCh37 (hg19) VCF-style: chr14-55369132-C-A.
Other names: c.250G>T, p.Glu84Ter (NM_001024024.2, NM_001024070.2, NM_001024071.2); short protein forms E84*.
Identifiers: ClinVar variation 958404 (VCV000958404.10), dbSNP rs755556239, ClinGen allele CA389793795.

ClinVar aggregate classification (germline): Pathogenic. Review status: criteria provided, multiple submitters, no conflicts (2 of 4 stars). 2 submissions from 2 submitters: Pathogenic (2). Last evaluated 2022-05-22.

Conditions:
GTP cyclohydrolase I deficiency. Identifiers: MedGen C0268467, MONDO:0100184.
Dystonia 5 (DRD). Also called: Dystonia, DOPA-responsive, with or without hyperphenylalaninemia; GTP Cyclohydrolase 1-Deficient Dopa-Responsive Dystonia; DYT-GCH1; DYSTONIA, PROGRESSIVE, WITH DIURNAL VARIATION; DYSTONIA-PARKINSONISM WITH DIURNAL FLUCTUATION. Identifiers: Orphanet 98808, MedGen C1851920, MONDO:0007495, OMIM 128230.

Submissions (2):

3billion
Classification: Pathogenic for Dystonia 5. Last evaluated: 2022-05-22. Review status: criteria provided, single submitter. Criteria: ACMG Guidelines, 2015. Collection method: clinical testing. Allele origin: germline. Affected: yes. Observed: 1 heterozygote.
Comment: The variant is not observed in the gnomAD v2.1.1 dataset. Stop-gained (nonsense): predicted to result in a loss or disruption of normal protein function through nonsense-mediated decay (NMD) or protein truncation. Multiple pathogenic variants are reported downstream of the variant. The variant has been reported to be associated with GCH1 related disorder (ClinVar ID: VCV000958404 / PMID: 20187889 / 3billion dataset). Therefore, this variant is classified as pathogenic according to the recommendation of ACMG/AMP guideline.

Labcorp Genetics (formerly Invitae), Labcorp
Classification: Pathogenic for GTP cyclohydrolase I deficiency; Dystonia 5. Last evaluated: 2019-11-08. Review status: criteria provided, single submitter. Criteria: Invitae Variant Classification Sherloc (09022015). Collection method: clinical testing. Allele origin: germline.
Comment: Loss-of-function variants in GCH1 are known to be pathogenic (PMID: 19491146). For these reasons, this variant has been classified as Pathogenic. This variant has been observed in individual(s) with clinical features of GCH1-related dystonia (PMID: 20187889). This sequence change creates a premature translational stop signal (p.Glu84*) in the GCH1 gene. It is expected to result in an absent or disrupted protein product. This variant is not present in population databases (ExAC no frequency).

Literature cited by the submitters: PubMed 20187889 (cited by 3billion and Labcorp Genetics (formerly Invitae), Labcorp); PubMed 19491146 (cited by Labcorp Genetics (formerly Invitae), Labcorp).